The following is an entry in ClinVar:

NM_144670.6(A2ML1):c.4153-3C>T

Gene: A2ML1 (alpha-2-macroglobulin like 1; plus strand). Cytogenetic location: 12p13.31.
Variant type: single nucleotide variant.
Coding change: c.4153-3C>T on transcript NM_144670.6 (MANE Select); 3 bases into the intron before coding-DNA position 4153, C replaced by T.
Molecular consequence: intron variant.
Genome position (GRCh38, 1-based): chr12:8,869,132, C>T. VCF-style: chr12-8869132-C-T. GRCh37 (hg19) VCF-style: chr12-9021728-C-T.
Other names: c.2680-3C>T (NM_001282424.3).
Identifiers: ClinVar variation 1010862 (VCV001010862.8), dbSNP rs754964236, ClinGen allele CA6436617.
Genomic context (GRCh38, chr12:8,869,132, plus strand): 5'-GGAAGACTACCCCAGGGAAGGCTCTGGCTCTTAGTATCTTTTTTTTCTCCCTCTCTTATT[C>T]AGCTTCTCCAGCAACCCCTGGTGAAGAAGGTTGAATTTGGAACTGACACACTTAACATTT-3'

ClinVar aggregate classification (germline): Uncertain significance (1 of 4 stars; one submission).

Allele frequency attached by ClinVar (database versions not stated): ExAC 0.00001; gnomAD 0.00001; gnomAD exomes 0.00001; TOPMed 0.00001.
gnomAD v4.1: 21 of 1,613,908 alleles (0.0013%); highest among the groups gnomAD compares: Admixed American, 0.0033%; no homozygotes.

Submission:

Labcorp Genetics (formerly Invitae), Labcorp
Classification: Uncertain significance. Last evaluated: 2017-12-27. Review status: criteria provided, single submitter. Criteria: Invitae Variant Classification Sherloc (09022015). Collection method: clinical testing. Allele origin: germline.
Comment: This sequence change falls in intron 32 of the A2ML1 gene. It does not directly change the encoded amino acid sequence of the A2ML1 protein, but it affects a nucleotide within the consensus splice site of the intron. This variant is present in population databases (rs754964236, ExAC 0.001%). This variant has not been reported in the literature in individuals with A2ML1-related disease. Nucleotide substitutions within the consensus splice site are a relatively common cause of aberrant splicing (PMID: 17576681, 9536098). Algorithms developed to predict the effect of sequence changes on RNA splicing suggest that this variant is not likely to affect RNA splicing, but this prediction has not been confirmed by published transcriptional studies. In summary, the available evidence is currently insufficient to determine the role of this variant in disease. Therefore, it has been classified as a Variant of Uncertain Significance.

Literature cited by the submitters: PubMed 17576681; PubMed 9536098.